The following is an entry in ClinVar:

NM_003239.5(TGFB3):c.-614C>T

Gene: TGFB3 (transforming growth factor beta 3; minus strand). Cytogenetic location: 14q24.3.
Variant type: single nucleotide variant.
Coding change: c.-614C>T on transcript NM_003239.5 (MANE Select); 614 bases upstream of the start codon, C replaced by T.
Molecular consequence: 5 prime UTR variant.
Genome position (GRCh38, 1-based): chr14:75,981,507, G>A on the plus strand (C>T on the coding strand, the complement: TGFB3 is on the minus strand). VCF-style: chr14-75981507-G-A. GRCh37 (hg19) VCF-style: chr14-76447850-G-A.
Other names: c.-614C>T (NM_001329938.2, NM_001329939.2).
Identifiers: ClinVar variation 314462 (VCV000314462.7), dbSNP rs11466414, ClinGen allele CA10646246.
Genomic context (GRCh38, chr14:75,981,507, plus strand): 5'-AGTGAGTAGGTGGGGAGAAGCAGGGCCGGGCAGTTGCTGGCCCAGCTAAAGGTGGGGGCA[G>A]TACAGGACACACTTGTCTCTCAGGCACTCCATTCATGCTTTCTCTTTTGTTTACACTTCC-3'

ClinVar aggregate classification (germline): Benign/Likely benign. Review status: criteria provided, multiple submitters, no conflicts (2 of 4 stars). 2 submissions from 2 submitters: Benign (1); Likely benign (1). Last evaluated 2018-06-18.

Allele frequency attached by ClinVar (database versions not stated): 1000 Genomes Project 0.02915; 1000 Genomes Project 30x 0.03107; gnomAD 0.04686 and 0.04715; TOPMed 0.04690; gnomAD exomes 0.05823.

Submissions (2):

GeneDx
Classification: Benign. Last evaluated: 2018-06-18. Review status: criteria provided, single submitter. Criteria: GeneDx Variant Classification (06012015). Collection method: clinical testing. Allele origin: germline. Affected: yes.
Comment: This variant is considered likely benign or benign based on one or more of the following criteria: it is a conservative change, it occurs at a poorly conserved position in the protein, it is predicted to be benign by multiple in silico algorithms, and/or has population frequency not consistent with disease.

Breakthrough Genomics
Classification: Likely benign. Review status: criteria provided, single submitter. Criteria: ACMG Guidelines, 2015. Collection method: not provided. Allele origin: germline. Inheritance: Autosomal dominant inheritance. Affected: yes.